The following is an entry in ClinVar:

NM_001127222.2(CACNA1A):c.2713del (p.Ala905fs)

Gene: CACNA1A (calcium voltage-gated channel subunit alpha1 A; minus strand). Cytogenetic location: 19p13.13.
Variant type: Deletion.
Coding change: c.2713del on transcript NM_001127222.2 (MANE Select); coding-DNA position 2713, one base deleted (G; older notation c.2713delG).
Protein change: p.Ala905fs; shifts the reading frame from alanine 905.
Molecular consequence: frameshift variant.
Genome position (GRCh38, 1-based): chr19:13,298,920, C deleted on the plus strand (G on the coding strand, the reverse complement: CACNA1A is on the minus strand). VCF-style (leftmost placement, unchanged base first): chr19-13298919-GC-G. GRCh37 (hg19) VCF-style: chr19-13409733-GC-G.
Other names: c.2725del, p.Ala909fs (NM_000068.4, NM_023035.3); c.2716del, p.Ala906fs (NM_001127221.2, NM_001174080.2); short protein forms A905fs, A906fs, A909fs.
Identifiers: ClinVar variation 3757069 (VCV003757069.2).

ClinVar aggregate classification (germline): Pathogenic (1 of 4 stars; one submission).

Conditions:
Episodic ataxia type 2 (EA2). Also called: ATAXIA, EPISODIC, WITH NYSTAGMUS; ATAXIA, FAMILIAL PAROXYSMAL; ACETAZOLAMIDE-RESPONSIVE HEREDITARY PAROXYSMAL CEREBELLAR ATAXIA; CEREBELLAR ATAXIA, PAROXYSMAL, ACETAZOLAMIDE-RESPONSIVE; CEREBELLOPATHY, HEREDITARY PAROXYSMAL; EPISODIC ATAXIA, NYSTAGMUS-ASSOCIATED. Identifiers: Orphanet 97, MedGen C1720416, MONDO:0007163, OMIM 108500.
Developmental and epileptic encephalopathy, 42 (DEE42A). Also called: Epileptic encephalopathy, early infantile, 42; DEVELOPMENTAL AND EPILEPTIC ENCEPHALOPATHY 42A; EPILEPTIC ENCEPHALOPATHY, EARLY INFANTILE, 42A. Identifiers: MedGen C4310716, MONDO:0014917, OMIM 617106.

Submission:

Labcorp Genetics (formerly Invitae), Labcorp
Classification: Pathogenic for Developmental and epileptic encephalopathy, 42; Episodic ataxia type 2. Last evaluated: 2024-09-19. Review status: criteria provided, single submitter. Criteria: Invitae Variant Classification Sherloc (09022015). Collection method: clinical testing. Allele origin: germline.
Comment: This sequence change creates a premature translational stop signal (p.Ala906Profs*164) in the CACNA1A gene. It is expected to result in an absent or disrupted protein product. Loss-of-function variants in CACNA1A are known to be pathogenic (PMID: 10371528, 19486177, 25735478, 27250579). This variant is not present in population databases (gnomAD no frequency). This variant has not been reported in the literature in individuals affected with CACNA1A-related conditions. For these reasons, this variant has been classified as Pathogenic.

Literature cited by the submitters: PubMed 10371528; PubMed 19486177; PubMed 25735478; PubMed 27250579.